The following is an entry in ClinVar:

ClinVar aggregate classification (germline): Pathogenic (1 of 4 stars; one submission).

Conditions:
Congenital lactic acidosis, Saguenay-Lac-Saint-Jean type (MC4DN5). Also called: CYTOCHROME c OXIDASE DEFICIENCY, FRENCH CANADIAN TYPE; COX DEFICIENCY, FRENCH CANADIAN TYPE; MITOCHONDRIAL COMPLEX IV DEFICIENCY, NUCLEAR TYPE 5. Identifiers: Orphanet 70472, MedGen C1857355, MONDO:0009069, OMIM 220111.

Submission:

Myriad Genetics, Inc.
Classification: Pathogenic for Congenital lactic acidosis, Saguenay-Lac-Saint-Jean type. Last evaluated: 2023-09-09. Review status: criteria provided, single submitter. Criteria: Myriad Autosomal Dominant, Autosomal Recessive and X-Linked Classification Criteria (2023). Collection method: clinical testing. Allele origin: unknown.
Comment: NM_133259.3(LRPPRC):c.88_89ins5(G30Efs*26) is expected to be pathogenic in the context of Leigh syndrome, French-Canadian type. This variant is predicted to lead to an abnormal or absent protein product due to the creation of a premature termination codon in LRPPRC, a gene where loss-of-function variants are known to be pathogenic. Please note: this variant was assessed in the context of healthy population screening.

NM_133259.4(LRPPRC):c.88_89insAAAGG (p.Gly30fs)

Gene: LRPPRC (leucine rich pentatricopeptide repeat containing; minus strand). Cytogenetic location: 2p21.
Variant type: Insertion.
Coding change: c.88_89insAAAGG on transcript NM_133259.4 (MANE Select); coding-DNA positions 88 to 89, AAAGG inserted.
Protein change: p.Gly30fs; shifts the reading frame from glycine 30.
Molecular consequence: frameshift variant.
Genome position: GRCh38 VCF-style: chr2-43995859-C-CCCTTT. GRCh37 (hg19) VCF-style: chr2-44222998-C-CCCTTT.
Other names: short protein forms G30fs.
Identifiers: ClinVar variation 5011612 (VCV005011612.1).